The following is an entry in ClinVar:

NM_001384732.1(CPLANE1):c.9263A>G (p.His3088Arg)

Gene: CPLANE1 (ciliogenesis and planar polarity effector complex subunit 1; minus strand). Cytogenetic location: 5p13.2.
Variant type: single nucleotide variant.
Coding change: c.9263A>G on transcript NM_001384732.1 (MANE Select); coding-DNA position 9263, A replaced by G.
Protein change: p.His3088Arg; replaces histidine 3088 with arginine.
Molecular consequence: missense variant.
Genome position (GRCh38, 1-based): chr5:37,120,263, T>C on the plus strand (A>G on the coding strand, the complement: CPLANE1 is on the minus strand). VCF-style: chr5-37120263-T-C. GRCh37 (hg19) VCF-style: chr5-37120365-T-C.
Other names: c.9101A>G, p.His3034Arg (NM_023073.4); short protein forms H3034R, H3088R.
Identifiers: ClinVar variation 353415 (VCV000353415.15), dbSNP rs547370426, ClinGen allele CA3237520.

ClinVar aggregate classification (germline): Conflicting classifications of pathogenicity. Review status: criteria provided, conflicting classifications (1 of 4 stars). 5 submissions from 5 submitters: Uncertain significance (2); Likely benign (2). 1 of the submissions does not count toward it. Last evaluated 2025-07-16.

Conditions:
Joubert syndrome 17 (JBTS17). Identifiers: Orphanet 475, MedGen C3553264, MONDO:0013824, OMIM 614615.
Orofaciodigital syndrome type 6 (OFD6). Also called: OROFACIODIGITAL SYNDROME VI; OFDS VI; POLYDACTYLY, CLEFT LIP/PALATE OR LINGUAL LUMP, AND PSYCHOMOTOR RETARDATION; VARADI SYNDROME; VARADI-PAPP SYNDROME; Oral-facial-digital syndrome type 6. Identifiers: Orphanet 2754, MedGen C2745997, MONDO:0010176, OMIM 277170.
CPLANE1-related disorder. Also called: CPLANE1-related condition.
Inborn genetic diseases. Identifiers: MedGen C0950123, MeSH D030342.

Allele frequency attached by ClinVar (database versions not stated): gnomAD 0.00003 and 0.00005; TOPMed 0.00006; ExAC 0.00010; gnomAD exomes 0.00010; 1000 Genomes Project 0.00040; 1000 Genomes Project 30x 0.00047.
gnomAD v4.1: 140 of 1,604,198 alleles (0.0087%); highest among the groups gnomAD compares: Middle Eastern, 0.083%; no homozygotes.

Submissions (5):

Ambry Genetics
Classification: Likely benign for Inborn genetic diseases. Last evaluated: 2025-07-16. Review status: criteria provided, single submitter. Criteria: Ambry Variant Classification Scheme 2023. Collection method: clinical testing. Allele origin: germline.

Labcorp Genetics (formerly Invitae), Labcorp
Classification: Likely benign. Last evaluated: 2025-05-05. Review status: criteria provided, single submitter. Criteria: Invitae Variant Classification Sherloc (09022015). Collection method: clinical testing. Allele origin: germline.

Fulgent Genetics
Classification: Uncertain significance for Orofaciodigital syndrome type 6; Joubert syndrome 17. Last evaluated: 2024-01-23. Review status: criteria provided, single submitter. Criteria: ACMG Guidelines, 2015. Collection method: clinical testing. Allele origin: germline.

Illumina Laboratory Services, Illumina
Classification: Uncertain significance for Joubert syndrome 17. Last evaluated: 2018-01-13. Review status: criteria provided, single submitter. Criteria: ICSL Variant Classification Criteria 13 December 2019. Collection method: clinical testing. Allele origin: germline.

PreventionGenetics, part of Exact Sciences
Classification: Uncertain significance for CPLANE1-related condition. Last evaluated: 2024-07-23. Review status: no assertion criteria provided. Collection method: clinical testing. Allele origin: germline. Not counted in ClinVar's aggregate classification.
Comment: The CPLANE1 c.9101A>G variant is predicted to result in the amino acid substitution p.His3034Arg. To our knowledge, this variant has not been reported in the literature. This variant is reported in 0.022% of alleles in individuals of South Asian descent in gnomAD. At this time, the clinical significance of this variant is uncertain due to the absence of conclusive functional and genetic evidence.